The following is an entry in ClinVar:

ClinVar aggregate classification (germline): Conflicting classifications of pathogenicity. Review status: criteria provided, conflicting classifications (1 of 4 stars). 3 submissions from 3 submitters: Uncertain significance (2); Likely benign (1). Last evaluated 2025-10-14.

Conditions:
Neutropenia, severe congenital, 2, autosomal dominant. Identifiers: Orphanet 486, MedGen C2751288, MONDO:0013139, OMIM 613107.

Allele frequency attached by ClinVar (database versions not stated): gnomAD exomes 0.00003 and 0.00006; ExAC 0.00005; gnomAD 0.00007 and 0.00008; TOPMed 0.00008.

Submissions (3):

Labcorp Genetics (formerly Invitae), Labcorp
Classification: Uncertain significance for Neutropenia, severe congenital, 2, autosomal dominant. Last evaluated: 2025-10-14. Review status: criteria provided, single submitter. Criteria: Invitae Variant Classification Sherloc (09022015). Collection method: clinical testing. Allele origin: germline.
Comment: This sequence change replaces threonine, which is neutral and polar, with methionine, which is neutral and non-polar, at codon 417 of the GFI1 protein (p.Thr417Met). This variant is present in population databases (rs777241871, gnomAD 0.03%), and has an allele count higher than expected for a pathogenic variant. This variant has not been reported in the literature in individuals affected with GFI1-related conditions. ClinVar contains an entry for this variant (Variation ID: 801501). Invitae Evidence Modeling of protein sequence and biophysical properties (such as structural, functional, and spatial information, amino acid conservation, physicochemical variation, residue mobility, and thermodynamic stability) indicates that this missense variant is expected to disrupt GFI1 protein function with a positive predictive value of 80%. In summary, the available evidence is currently insufficient to determine the role of this variant in disease. Therefore, it has been classified as a Variant of Uncertain Significance.

Ambry Genetics
Classification: Uncertain significance. Last evaluated: 2024-10-17. Review status: criteria provided, single submitter. Criteria: Ambry Variant Classification Scheme 2023. Collection method: clinical testing. Allele origin: germline.
Comment: The p.T417M variant (also known as c.1250C>T), located in coding exon 6 of the GFI1 gene, results from a C to T substitution at nucleotide position 1250. The threonine at codon 417 is replaced by methionine, an amino acid with similar properties. This amino acid position is conserved. In addition, this alteration is predicted to be tolerated by in silico analysis. Based on the available evidence, the clinical significance of this variant remains unclear.

Mendelics
Classification: Likely benign for Neutropenia, severe congenital, 2, autosomal dominant. Last evaluated: 2019-05-28. Review status: criteria provided, single submitter. Criteria: Mendelics Assertion Criteria 2017. Collection method: clinical testing. Allele origin: unknown.

NM_005263.5(GFI1):c.1250C>T (p.Thr417Met)

Gene: GFI1 (growth factor independent 1 transcriptional repressor; minus strand). Cytogenetic location: 1p22.1.
Variant type: single nucleotide variant.
Coding change: c.1250C>T on transcript NM_005263.5 (MANE Select); coding-DNA position 1250, C replaced by T.
Protein change: p.Thr417Met; replaces threonine 417 with methionine.
Molecular consequence: missense variant.
Genome position (GRCh38, 1-based): chr1:92,476,048, G>A on the plus strand (C>T on the coding strand, the complement: GFI1 is on the minus strand). VCF-style: chr1-92476048-G-A. GRCh37 (hg19) VCF-style: chr1-92941605-G-A.
Other names: c.1250C>T, p.Thr417Met (NM_001127215.3, NM_001127216.3); short protein forms T417M.
Identifiers: ClinVar variation 801501 (VCV000801501.12), dbSNP rs777241871, ClinGen allele CA951216.